The following is an entry in ClinVar:

NM_001290403.2(TAL1):c.813A>C (p.Gly271=)

Gene: TAL1 (TAL bHLH transcription factor 1, erythroid differentiation factor; minus strand). Cytogenetic location: 1p33.
Variant type: single nucleotide variant.
Coding change: c.813A>C on transcript NM_001290403.2 (MANE Select); coding-DNA position 813, A replaced by C.
Protein change: p.Gly271=; no amino-acid change (glycine 271 retained).
Molecular consequence: synonymous variant.
Genome position (GRCh38, 1-based): chr1:47,219,903, T>G on the plus strand (A>C on the coding strand, the complement: TAL1 is on the minus strand). VCF-style: chr1-47219903-T-G. GRCh37 (hg19) VCF-style: chr1-47685575-T-G.
Other names: c.813A>C, p.Gly271= (NM_001287347.2, NM_001290404.1, NM_001290405.1 and 1 more transcripts); c.336A>C, p.Gly112= (NM_001290406.2).
Identifiers: ClinVar variation 3050360 (VCV003050360.2), dbSNP rs780759540, ClinGen allele CA417890769.

ClinVar aggregate classification (germline): Likely benign (0 of 4 stars; one submission).

Conditions:
TAL1-related disorder. Also called: TAL1-related condition.

Submission:

PreventionGenetics, part of Exact Sciences
Classification: Likely benign for TAL1-related condition. Last evaluated: 2019-08-13. Review status: no assertion criteria provided. Collection method: clinical testing. Allele origin: germline.
Comment: This variant is classified as likely benign based on ACMG/AMP sequence variant interpretation guidelines (Richards et al. 2015 PMID: 25741868, with internal and published modifications).